The following is an entry in ClinVar:

NM_000078.3(CETP):c.1470G>A (p.Gln490=)

Gene: CETP (cholesteryl ester transfer protein; plus strand). Cytogenetic location: 16q13.
Variant type: single nucleotide variant.
Coding change: c.1470G>A on transcript NM_000078.3 (MANE Select); coding-DNA position 1470, G replaced by A.
Protein change: p.Gln490=; no amino-acid change (glutamine 490 retained).
Molecular consequence: synonymous variant.
Genome position (GRCh38, 1-based): chr16:56,983,654, G>A. VCF-style: chr16-56983654-G-A. GRCh37 (hg19) VCF-style: chr16-57017566-G-A.
Other names: c.1290G>A, p.Gln430= (NM_001286085.2).
Identifiers: ClinVar variation 886669 (VCV000886669.5), dbSNP rs148336647, ClinGen allele CA8071417.

ClinVar aggregate classification (germline): Benign/Likely benign. Review status: criteria provided, multiple submitters, no conflicts (2 of 4 stars). 2 submissions from 2 submitters: Benign (1); Likely benign (1). Last evaluated 2026-02-03.

Conditions:
Hyperalphalipoproteinemia 1 (HALP1). Also called: CETP-Related Hyperalphalipoproteinemia; CETP DEFICIENCY. Identifiers: MedGen C3149462, OMIM 143470.

Allele frequency attached by ClinVar (database versions not stated): gnomAD exomes below 0.00001 and 0.00002; gnomAD 0.00001; TOPMed 0.00002; ExAC 0.00003; ESP Exome Variant Server 0.00008.
gnomAD v4.1: 5 of 1,614,080 alleles (0.00031%); highest among the groups gnomAD compares: African/African-American, 0.0053%; no homozygotes.

Submissions (2):

Labcorp Genetics (formerly Invitae), Labcorp
Classification: Likely benign. Last evaluated: 2026-02-03. Review status: criteria provided, single submitter. Criteria: Invitae Variant Classification Sherloc (09022015). Collection method: clinical testing. Allele origin: germline.

Illumina Laboratory Services, Illumina
Classification: Benign for Hyperalphalipoproteinemia 1. Last evaluated: 2018-01-13. Review status: criteria provided, single submitter. Criteria: ICSL Variant Classification Criteria 13 December 2019. Collection method: clinical testing. Allele origin: germline.
Comment: This variant was observed in the ICSL laboratory as part of a predisposition screen in an ostensibly healthy population. It had not been previously curated by ICSL or reported in the Human Gene Mutation Database (HGMD: prior to June 1st, 2018), and was therefore a candidate for classification through an automated scoring system. Utilizing variant allele frequency, disease prevalence and penetrance estimates, and inheritance mode, an automated score was calculated to assess if this variant is too frequent to cause the disease. Based on the score and internal cut-off values, a variant classified as benign is not then subjected to further curation. The score for this variant resulted in a classification of benign for this disease.